The following is an entry in ClinVar:

ClinVar aggregate classification (germline): Uncertain significance (1 of 4 stars; one submission).

Conditions:
Arrhythmogenic right ventricular dysplasia 8 (ARVD8). Also called: ARRHYTHMOGENIC RIGHT VENTRICULAR CARDIOMYOPATHY 8; Arrhythmogenic Right Ventricular Dysplasia/Cardiomyopathy 8; ARRHYTHMOGENIC RIGHT VENTRICULAR DYSPLASIA, FAMILIAL, 8. Identifiers: MedGen C1843896, MONDO:0011831, OMIM 607450.
Arrhythmogenic cardiomyopathy with wooly hair and keratoderma. Also called: PALMOPLANTAR KERATODERMA WITH LEFT VENTRICULAR CARDIOMYOPATHY AND WOOLLY HAIR; Arrhythmogenic cardiomyopathy with woolly hair and keratoderma; Carvajal syndrome; Dilated cardiomyopathy with woolly hair and keratoderma. Identifiers: Orphanet 65282, MedGen C1854063, MONDO:0011581, OMIM 605676.

Submission:

Labcorp Genetics (formerly Invitae), Labcorp
Classification: Uncertain significance for Arrhythmogenic cardiomyopathy with wooly hair and keratoderma; Arrhythmogenic right ventricular dysplasia 8. Last evaluated: 2024-06-24. Review status: criteria provided, single submitter. Criteria: Invitae Variant Classification Sherloc (09022015). Collection method: clinical testing. Allele origin: germline.
Comment: This sequence change replaces proline, which is neutral and non-polar, with leucine, which is neutral and non-polar, at codon 2777 of the DSP protein (p.Pro2777Leu). This variant is not present in population databases (gnomAD no frequency). This variant has not been reported in the literature in individuals affected with DSP-related conditions. ClinVar contains an entry for this variant (Variation ID: 2002359). An algorithm developed to predict the effect of missense changes on protein structure and function (PolyPhen-2) suggests that this variant is likely to be disruptive. In summary, the available evidence is currently insufficient to determine the role of this variant in disease. Therefore, it has been classified as a Variant of Uncertain Significance.

NM_004415.4(DSP):c.8330C>T (p.Pro2777Leu)

Gene: DSP (desmoplakin; plus strand). Cytogenetic location: 6p24.3.
Variant type: single nucleotide variant.
Coding change: c.8330C>T on transcript NM_004415.4 (MANE Select); coding-DNA position 8330, C replaced by T.
Protein change: p.Pro2777Leu; replaces proline 2777 with leucine.
Molecular consequence: missense variant.
Genome position (GRCh38, 1-based): chr6:7,585,592, C>T. VCF-style: chr6-7585592-C-T. GRCh37 (hg19) VCF-style: chr6-7585825-C-T.
Other names: c.6533C>T, p.Pro2178Leu (NM_001008844.3); c.7001C>T, p.Pro2334Leu (NM_001319034.2); short protein forms P2777L, P2178L, P2334L.
Identifiers: ClinVar variation 2002359 (VCV002002359.4), dbSNP rs376273136, ClinGen allele CA362694930.
Genomic context (GRCh38, chr6:7,585,592, plus strand): 5'-ATGGCCGCGCCGCACAGAGGCTGCAAGACACCAGCAGCTATGCCAAAATCCTGACCTGCC[C>T]CAAAACCAAATTAAAAATATCCTATAAGGATGCCATAAATCGCTCCATGGTAGAAGATAT-3'
Protein context (NP_004406.2, residues 2767-2787): TSSYAKILTC[Pro2777Leu]KTKLKISYKD